The following is an entry in ClinVar:

ClinVar aggregate classification (germline): Uncertain significance (1 of 4 stars; one submission).

Conditions:
Ullrich congenital muscular dystrophy 2 (UCMD2). Identifiers: Orphanet 75840, MedGen C4225314, MONDO:0014654, OMIM 616470.
Bethlem myopathy 2 (BTHLM2). Identifiers: Orphanet 536516, Orphanet 610, MedGen C4225313, MONDO:0034022, OMIM 616471.

Submission:

Labcorp Genetics (formerly Invitae), Labcorp
Classification: Uncertain significance for Bethlem myopathy 2; Ullrich congenital muscular dystrophy 2. Last evaluated: 2024-06-25. Review status: criteria provided, single submitter. Criteria: Invitae Variant Classification Sherloc (09022015). Collection method: clinical testing. Allele origin: germline.
Comment: This sequence change replaces alanine, which is neutral and non-polar, with leucine, which is neutral and non-polar, at codon 2526 of the COL12A1 protein (p.Ala2526Leu). Information on the frequency of this variant in the gnomAD database is not available, as this variant may be reported differently in the database. This variant has not been reported in the literature in individuals affected with COL12A1-related conditions. ClinVar contains an entry for this variant (Variation ID: 851847). An algorithm developed to predict the effect of missense changes on protein structure and function (PolyPhen-2) suggests that this variant is likely to be tolerated. In summary, the available evidence is currently insufficient to determine the role of this variant in disease. Therefore, it has been classified as a Variant of Uncertain Significance.

NM_004370.6(COL12A1):c.7576_7577delinsTT (p.Ala2526Leu)

Gene: COL12A1 (collagen type XII alpha 1 chain; minus strand). Cytogenetic location: 6q13.
Variant type: Indel.
Coding change: c.7576_7577delinsTT on transcript NM_004370.6 (MANE Select); coding-DNA positions 7576 to 7577, GC replaced by TT.
Protein change: p.Ala2526Leu; replaces alanine 2526 with leucine.
Molecular consequence: missense variant.
Genome position (GRCh38, 1-based): chr6:75,115,904-75,115,905, GC replaced by AA on the plus strand (GC replaced by TT on the coding strand, the reverse complement: COL12A1 is on the minus strand). VCF-style: chr6-75115904-GC-AA. GRCh37 (hg19) VCF-style: chr6-75825620-GC-AA.
Other names: c.4084_4085delinsTT, p.Ala1362Leu (NM_080645.3); short protein forms A1362L, A2526L.
Identifiers: ClinVar variation 851847 (VCV000851847.8), dbSNP rs1769053374, ClinGen allele CA916082878.